The following is an entry in ClinVar:

ClinVar aggregate classification (germline): Uncertain significance (1 of 4 stars; one submission).

Conditions:
Neuronal ceroid lipofuscinosis. Also called: Neuronal Ceroid Lipofuscinoses. Identifiers: Orphanet 216, Orphanet 79263, MedGen C0027877, MONDO:0016295. Disease mechanism: loss of function.

Allele frequency attached by ClinVar (database versions not stated): gnomAD exomes below 0.00001.
gnomAD v4.1: 5 of 1,614,174 alleles (0.00031%); highest among the groups gnomAD compares: South Asian, 0.0022%; no homozygotes.

Submission:

Labcorp Genetics (formerly Invitae), Labcorp
Classification: Uncertain significance for Neuronal ceroid lipofuscinosis. Last evaluated: 2021-08-24. Review status: criteria provided, single submitter. Criteria: Invitae Variant Classification Sherloc (09022015). Collection method: clinical testing. Allele origin: germline.
Comment: This sequence change replaces arginine with glutamine at codon 199 of the CLN5 protein (p.Arg199Gln). The arginine residue is highly conserved and there is a small physicochemical difference between arginine and glutamine. This variant is not present in population databases (ExAC no frequency). This variant has not been reported in the literature in individuals affected with CLN5-related conditions. Algorithms developed to predict the effect of missense changes on protein structure and function (SIFT, PolyPhen-2, Align-GVGD) all suggest that this variant is likely to be disruptive. In summary, the available evidence is currently insufficient to determine the role of this variant in disease. Therefore, it has been classified as a Variant of Uncertain Significance.

NM_006493.4(CLN5):c.449G>A (p.Arg150Gln)

Gene: CLN5 (CLN5 lysosomal BMP synthase; plus strand). Cytogenetic location: 13q22.3.
Variant type: single nucleotide variant.
Coding change: c.449G>A on transcript NM_006493.4 (MANE Select); coding-DNA position 449, G replaced by A.
Protein change: p.Arg150Gln; replaces arginine 150 with glutamine.
Molecular consequence: missense variant.
Genome position (GRCh38, 1-based): chr13:76,996,011, G>A. VCF-style: chr13-76996011-G-A. GRCh37 (hg19) VCF-style: chr13-77570146-G-A.
Other names: c.449G>A, p.Arg150Gln (NM_001366624.2); short protein forms R150Q.
Identifiers: ClinVar variation 1466041 (VCV001466041.5), dbSNP rs1014000261, ClinGen allele CA252176564.